The following is an entry in ClinVar:

ClinVar aggregate classification (germline): Uncertain significance (1 of 4 stars; one submission).

Conditions:
Hereditary cancer-predisposing syndrome. Also called: Neoplastic Syndromes, Hereditary; Tumor predisposition; Hereditary Cancer Syndrome; Hereditary neoplastic syndrome. Identifiers: Orphanet 140162, MedGen C0027672, MeSH D009386, MONDO:0015356.

gnomAD v4.1: 1 of 1,613,750 alleles (0.000062%); highest among the groups gnomAD compares: Non-Finnish European, 0.000085%; no homozygotes.

Submission:

Ambry Genetics
Classification: Uncertain significance for Hereditary cancer-predisposing syndrome. Last evaluated: 2026-01-04. Review status: criteria provided, single submitter. Criteria: Ambry Variant Classification Scheme 2023. Collection method: clinical testing. Allele origin: germline.
Comment: The p.N455Y variant (also known as c.1363A>T), located in coding exon 9 of the RAD50 gene, results from an A to T substitution at nucleotide position 1363. The asparagine at codon 455 is replaced by tyrosine, an amino acid with dissimilar properties. This amino acid position is conserved. In addition, this alteration is predicted to be tolerated by in silico analysis. Based on the available evidence, the clinical significance of this variant remains unclear.

NM_005732.4(RAD50):c.1363A>T (p.Asn455Tyr)

Gene: RAD50 (RAD50 double strand break repair protein; plus strand). Cytogenetic location: 5q31.1.
Variant type: single nucleotide variant.
Coding change: c.1363A>T on transcript NM_005732.4 (MANE Select); coding-DNA position 1363, A replaced by T.
Protein change: p.Asn455Tyr; replaces asparagine 455 with tyrosine.
Molecular consequence: missense variant.
Genome position (GRCh38, 1-based): chr5:132,589,748, A>T. VCF-style: chr5-132589748-A-T. GRCh37 (hg19) VCF-style: chr5-131925440-A-T.
Other names: short protein forms N455Y.
Identifiers: ClinVar variation 4842946 (VCV004842946.1).